The following is an entry in ClinVar:

ClinVar aggregate classification (germline): Uncertain significance (1 of 4 stars; one submission).

Allele frequency attached by ClinVar (database versions not stated): gnomAD exomes below 0.00001; TOPMed 0.00001.
gnomAD v4.1: 1 of 1,211,339 alleles (0.000083%); highest among the groups gnomAD compares: Non-Finnish European, 0.00011%; no homozygotes.

Submission:

Labcorp Genetics (formerly Invitae), Labcorp
Classification: Uncertain significance. Last evaluated: 2024-01-14. Review status: criteria provided, single submitter. Criteria: Invitae Variant Classification Sherloc (09022015). Collection method: clinical testing. Allele origin: germline.
Comment: This sequence change replaces isoleucine, which is neutral and non-polar, with threonine, which is neutral and polar, at codon 85 of the MBTPS2 protein (p.Ile85Thr). This variant is not present in population databases (gnomAD no frequency). This variant has not been reported in the literature in individuals affected with MBTPS2-related conditions. Advanced modeling of protein sequence and biophysical properties (such as structural, functional, and spatial information, amino acid conservation, physicochemical variation, residue mobility, and thermodynamic stability) performed at Invitae indicates that this missense variant is not expected to disrupt MBTPS2 protein function with a negative predictive value of 80%. In summary, the available evidence is currently insufficient to determine the role of this variant in disease. Therefore, it has been classified as a Variant of Uncertain Significance.

NM_015884.4(MBTPS2):c.254T>C (p.Ile85Thr)

Gene: MBTPS2 (membrane bound transcription factor peptidase, site 2; plus strand). Cytogenetic location: Xp22.12.
Variant type: single nucleotide variant.
Coding change: c.254T>C on transcript NM_015884.4 (MANE Select); coding-DNA position 254, T replaced by C.
Protein change: p.Ile85Thr; replaces isoleucine 85 with threonine.
Molecular consequence: missense variant.
Genome position (GRCh38, 1-based): chrX:21,845,200, T>C. VCF-style: chrX-21845200-T-C. GRCh37 (hg19) VCF-style: chrX-21863318-T-C.
Other names: short protein forms I85T.
Identifiers: ClinVar variation 2992266 (VCV002992266.3), dbSNP rs2092907217, ClinGen allele CA412561760.